The following is an entry in ClinVar:

ClinVar aggregate classification (germline): Likely benign. Review status: criteria provided, multiple submitters, no conflicts (2 of 4 stars). 6 submissions from 6 submitters: Likely benign (5). 1 of the submissions does not count toward it. Last evaluated 2025-12-10.

Conditions:
ERCC2-related disorder. Also called: ERCC2-related conditions; ERCC2-related condition; ERCC2-related disorders. Identifiers: MedGen CN239291.
Xeroderma pigmentosum (XP). Identifiers: Orphanet 910, MedGen C0043346, MONDO:0019600.
Inborn genetic diseases. Identifiers: MedGen C0950123, MeSH D030342.

Allele frequency attached by ClinVar (database versions not stated): gnomAD exomes 0.00005 and 0.00013; ExAC 0.00012; TOPMed 0.00015; gnomAD 0.00023 and 0.00029; ESP Exome Variant Server 0.00031; 1000 Genomes Project 30x 0.00078; 1000 Genomes Project 0.00100.
gnomAD v4.1: 123 of 1,613,978 alleles (0.0076%); highest among the groups gnomAD compares: African/African-American, 0.084%; 1 homozygote.

Submissions (6):

Labcorp Genetics (formerly Invitae), Labcorp
Classification: Likely benign. Last evaluated: 2025-12-10. Review status: criteria provided, single submitter. Criteria: Invitae Variant Classification Sherloc (09022015). Collection method: clinical testing. Allele origin: germline.

Blueprint Genetics
Classification: Likely benign. Last evaluated: 2024-11-13. Review status: criteria provided, single submitter. Criteria: ACMG Guidelines, 2015. Collection method: clinical testing. Allele origin: germline.

CeGaT Center for Human Genetics Tuebingen
Classification: Likely benign. Last evaluated: 2023-10-01. Review status: criteria provided, single submitter. Criteria: CeGaT Center For Human Genetics Tuebingen Variant Classification Criteria Version 2. Collection method: clinical testing. Allele origin: germline. Affected: yes. Observed: 1 variant allele.
Comment: ERCC2: BP4, BP7

Ambry Genetics
Classification: Likely benign for Inborn genetic diseases. Last evaluated: 2022-02-13. Review status: criteria provided, single submitter. Criteria: Ambry Variant Classification Scheme 2023. Collection method: clinical testing. Allele origin: germline.

Sema4
Classification: Likely benign for Xeroderma pigmentosum. Last evaluated: 2021-01-31. Review status: criteria provided, single submitter. Criteria: Sema4 Curation Guidelines. Collection method: curation. Allele origin: germline.

PreventionGenetics, part of Exact Sciences
Classification: Likely benign for ERCC2-related condition. Last evaluated: 2019-10-28. Review status: no assertion criteria provided. Collection method: clinical testing. Allele origin: germline. Not counted in ClinVar's aggregate classification.
Comment: This variant is classified as likely benign based on ACMG/AMP sequence variant interpretation guidelines (Richards et al. 2015 PMID: 25741868, with internal and published modifications).

NM_000400.4(ERCC2):c.1278G>A (p.Pro426=)

Gene: ERCC2 (ERCC excision repair 2, TFIIH core complex helicase subunit; minus strand). Cytogenetic location: 19q13.32.
Variant type: single nucleotide variant.
Coding change: c.1278G>A on transcript NM_000400.4 (MANE Select); coding-DNA position 1278, G replaced by A.
Protein change: p.Pro426=; no amino-acid change (proline 426 retained).
Molecular consequence: synonymous variant.
Genome position (GRCh38, 1-based): chr19:45,357,659, C>T on the plus strand (G>A on the coding strand, the complement: ERCC2 is on the minus strand). VCF-style: chr19-45357659-C-T. GRCh37 (hg19) VCF-style: chr19-45860917-C-T.
Identifiers: ClinVar variation 1566304 (VCV001566304.36), dbSNP rs148469762, ClinGen allele CA9513386.
Genomic context (GRCh38, chr19:45,357,659, plus strand): 5'-GCATTCACACCCTCACCGGGCAGGGTCCCACCTGAAGTGCAGGATGGGGTTGGCAATGGT[C>T]GGGGTTCTGTCGTCAAAGGGCTCGATGATGATGGTGAAGCCTGCAGAGGGCAGGCAAGGA-3'
Protein context (NP_000391.1, residues 416-436): IIIEPFDDRT[Pro426=]TIANPILHFS